The following is an entry in ClinVar:

ClinVar aggregate classification (germline): Uncertain significance (1 of 4 stars; one submission).

Conditions:
Tuberous sclerosis 2 (TSC2). Identifiers: Orphanet 805, MedGen C1860707, MONDO:0013199, OMIM 613254.

gnomAD v4.1: 1 of 1,612,612 alleles (0.000062%); no homozygotes.

Submission:

Labcorp Genetics (formerly Invitae), Labcorp
Classification: Uncertain significance for Tuberous sclerosis 2. Last evaluated: 2022-08-16. Review status: criteria provided, single submitter. Criteria: Invitae Variant Classification Sherloc (09022015). Collection method: clinical testing. Allele origin: germline.
Comment: In summary, the available evidence is currently insufficient to determine the role of this variant in disease. Therefore, it has been classified as a Variant of Uncertain Significance. Variants that disrupt the consensus splice site are a relatively common cause of aberrant splicing (PMID: 17576681, 9536098). Algorithms developed to predict the effect of sequence changes on RNA splicing suggest that this variant may create or strengthen a splice site. This variant has not been reported in the literature in individuals affected with TSC2-related conditions. This variant is not present in population databases (gnomAD no frequency). This sequence change falls in intron 36 of the TSC2 gene. It does not directly change the encoded amino acid sequence of the TSC2 protein. It affects a nucleotide within the consensus splice site.

Literature cited by the submitters: PubMed 17576681; PubMed 9536098.

NM_000548.5(TSC2):c.4662+4A>C

Gene: TSC2 (TSC complex subunit 2; plus strand). Cytogenetic location: 16p13.3.
Variant type: single nucleotide variant.
Coding change: c.4662+4A>C on transcript NM_000548.5 (MANE Select); 4 bases into the intron after coding-DNA position 4662, A replaced by C.
Molecular consequence: intron variant.
Genome position (GRCh38, 1-based): chr16:2,085,326, A>C. VCF-style: chr16-2085326-A-C. GRCh37 (hg19) VCF-style: chr16-2135327-A-C.
Other names: c.4593+4A>C (NM_001114382.3); c.4533+4A>C (NM_021055.3, NM_001370405.1); c.4464+4A>C (NM_001363528.2); c.4530+4A>C (NM_001370404.1); c.4461+4A>C (NM_001077183.3); c.4353+4A>C (NM_001318827.2); c.3930+4A>C (NM_001318831.2); c.4317+4A>C (NM_001318829.2); and 1 more.
Identifiers: ClinVar variation 2024259 (VCV002024259.4), dbSNP rs2544329462, ClinGen allele CA2580091045.